The following is an entry in ClinVar:

ClinVar aggregate classification (germline): Likely benign. Review status: criteria provided, multiple submitters, no conflicts (2 of 4 stars). 2 submissions from 2 submitters: Likely benign (2). Last evaluated 2024-12-04.

Conditions:
Congenital contractural arachnodactyly (CCA). Also called: Beals-Hecht syndrome; BEALS SYNDROME; Arthrogryposis, distal, type 9. Identifiers: Orphanet 115, MedGen C0220668, MONDO:0007363, OMIM 121050.

Allele frequency attached by ClinVar (database versions not stated): ExAC 0.00001; gnomAD exomes 0.00001 and 0.00002; gnomAD 0.00003; TOPMed 0.00008; 1000 Genomes Project 30x 0.00016; 1000 Genomes Project 0.00020.
gnomAD v4.1: 10 of 1,614,116 alleles (0.00062%); highest among the groups gnomAD compares: Admixed American, 0.01%; no homozygotes.

Submissions (2):

Labcorp Genetics (formerly Invitae), Labcorp
Classification: Likely benign for Congenital contractural arachnodactyly. Last evaluated: 2024-12-04. Review status: criteria provided, single submitter. Criteria: Invitae Variant Classification Sherloc (09022015). Collection method: clinical testing. Allele origin: germline.

GeneDx
Classification: Likely benign. Last evaluated: 2018-05-25. Review status: criteria provided, single submitter. Criteria: GeneDx Variant Classification (06012015). Collection method: clinical testing. Allele origin: germline. Affected: yes.
Comment: This variant is considered likely benign or benign based on one or more of the following criteria: it is a conservative change, it occurs at a poorly conserved position in the protein, it is predicted to be benign by multiple in silico algorithms, and/or has population frequency not consistent with disease.

NM_001999.4(FBN2):c.6411G>A (p.Gly2137=)

Gene: FBN2 (fibrillin 2; minus strand). Cytogenetic location: 5q23.3.
Variant type: single nucleotide variant.
Coding change: c.6411G>A on transcript NM_001999.4 (MANE Select); coding-DNA position 6411, G replaced by A.
Protein change: p.Gly2137=; no amino-acid change (glycine 2137 retained).
Molecular consequence: synonymous variant.
Genome position (GRCh38, 1-based): chr5:128,290,766, C>T on the plus strand (G>A on the coding strand, the complement: FBN2 is on the minus strand). VCF-style: chr5-128290766-C-T. GRCh37 (hg19) VCF-style: chr5-127626458-C-T.
Identifiers: ClinVar variation 458776 (VCV000458776.12), dbSNP rs552637321, ClinGen allele CA3394426.